The following is an entry in ClinVar:

NM_001009999.3(KDM1A):c.2107G>A (p.Gly703Arg)

Gene: KDM1A (lysine demethylase 1A; plus strand). Cytogenetic location: 1p36.12.
Variant type: single nucleotide variant.
Coding change: c.2107G>A on transcript NM_001009999.3 (MANE Select); coding-DNA position 2107, G replaced by A.
Protein change: p.Gly703Arg; replaces glycine 703 with arginine.
Molecular consequence: missense variant.
Genome position (GRCh38, 1-based): chr1:23,079,604, G>A. VCF-style: chr1-23079604-G-A. GRCh37 (hg19) VCF-style: chr1-23406097-G-A.
Other names: c.2053G>A, p.Gly685Arg (NM_001363654.2); c.2113G>A, p.Gly705Arg (NM_001410762.1); c.2035G>A, p.Gly679Arg (NM_001410763.1, NM_015013.4); short protein forms G685R, G705R, G679R, G703R.
Identifiers: ClinVar variation 4042113 (VCV004042113.2).

ClinVar aggregate classification (germline): Uncertain significance. Review status: criteria provided, multiple submitters, no conflicts (2 of 4 stars). 2 submissions from 2 submitters: Uncertain significance (2). Last evaluated 2025-04-21.

Conditions:
Inborn genetic diseases. Identifiers: MedGen C0950123, MeSH D030342.
Intellectual disability. Also called: Intellectual functioning disability; intellectual disabilities; Intellectual developmental disorder. Identifiers: MedGen C3714756, MeSH D008607, MONDO:0001071, HP:0001249.

Submissions (2):

Ambry Genetics
Classification: Uncertain significance for Inborn genetic diseases. Last evaluated: 2025-04-21. Review status: criteria provided, single submitter. Criteria: Ambry Variant Classification Scheme 2023. Collection method: clinical testing. Allele origin: germline.
Comment: The p.G703R variant (also known as c.2107G>A), located in coding exon 18 of the KDM1A gene, results from a G to A substitution at nucleotide position 2107. The glycine at codon 703 is replaced by arginine, an amino acid with dissimilar properties. This amino acid position is conserved. In addition, this alteration is predicted to be deleterious by in silico analysis. Based on the available evidence, the clinical significance of this variant remains unclear.

Cambridge Genomics Laboratory, East Genomic Laboratory Hub, NHS Genomic Medicine Service
Classification: Uncertain significance for Intellectual disability. Last evaluated: 2020-05-14. Review status: criteria provided, single submitter. Criteria: ACGS Best Practice Guidelines for Variant Classification in Rare Disease 2020. Collection method: clinical testing. Allele origin: germline. Affected: yes. Observed: 1 variant allele.